The following is an entry in ClinVar:

ClinVar aggregate classification (germline): Uncertain significance (1 of 4 stars; one submission).

Conditions:
UBR4-related disorder. Also called: UBR4-related condition.

gnomAD v4.1: 7 of 1,613,988 alleles (0.00043%); highest among the groups gnomAD compares: Non-Finnish European, 0.00059%; no homozygotes.

Submission:

PreventionGenetics, part of Exact Sciences
Classification: Uncertain significance for UBR4-related condition. Last evaluated: 2026-07-30. Review status: criteria provided, single submitter. Criteria: ACMG Guidelines, 2015. Collection method: clinical testing. Allele origin: germline.
Comment: The UBR4 c.11930A>T variant is predicted to result in the amino acid substitution p.Asp3977Val. To our knowledge, this variant has not been reported in the literature. This variant is reported in 0.00089% of alleles in individuals of European (Non-Finnish) descent in gnomAD. At this time, the clinical significance of this variant is uncertain due to the absence of conclusive functional and genetic evidence.

NM_020765.3(UBR4):c.11930A>T (p.Asp3977Val)

Gene: UBR4 (ubiquitin protein ligase E3 component n-recognin 4; minus strand). Cytogenetic location: 1p36.13.
Variant type: single nucleotide variant.
Coding change: c.11930A>T on transcript NM_020765.3 (MANE Select); coding-DNA position 11930, A replaced by T.
Protein change: p.Asp3977Val; replaces aspartic acid 3977 with valine.
Molecular consequence: missense variant.
Genome position (GRCh38, 1-based): chr1:19,110,427, T>A on the plus strand (A>T on the coding strand, the complement: UBR4 is on the minus strand). VCF-style: chr1-19110427-T-A. GRCh37 (hg19) VCF-style: chr1-19436921-T-A.
Other names: short protein forms D3977V.
Identifiers: ClinVar variation 4983225 (VCV004983225.1).